The following is an entry in ClinVar:

ClinVar aggregate classification (germline): Uncertain significance (1 of 4 stars; one submission).

Conditions:
Cardiovascular phenotype. Identifiers: MedGen CN230736.
Hereditary cancer-predisposing syndrome. Also called: Neoplastic Syndromes, Hereditary; Tumor predisposition; Hereditary neoplastic syndrome; Hereditary Cancer Syndrome. Identifiers: Orphanet 140162, MedGen C0027672, MeSH D009386, MONDO:0015356.

Submission:

Ambry Genetics
Classification: Uncertain significance for Cardiovascular phenotype; Hereditary cancer-predisposing syndrome. Last evaluated: 2026-07-19. Review status: criteria provided, single submitter. Criteria: Ambry Variant Classification Scheme 2023. Collection method: clinical testing. Allele origin: germline.
Comment: The p.L429R variant (also known as c.1286T>G), located in coding exon 12 of the LZTR1 gene, results from a T to G substitution at nucleotide position 1286. The leucine at codon 429 is replaced by arginine, an amino acid with dissimilar properties. This amino acid position is conserved. In addition, this alteration is predicted to be deleterious by in silico analysis. Based on the available evidence, the clinical significance of this variant remains unclear.

NM_006767.4(LZTR1):c.1286T>G (p.Leu429Arg)

Gene: LZTR1 (leucine zipper like post translational regulator 1; plus strand). Cytogenetic location: 22q11.21.
Variant type: single nucleotide variant.
Coding change: c.1286T>G on transcript NM_006767.4 (MANE Select); coding-DNA position 1286, T replaced by G.
Protein change: p.Leu429Arg; replaces leucine 429 with arginine.
Molecular consequence: missense variant.
Genome position (GRCh38, 1-based): chr22:20,993,687, T>G. VCF-style: chr22-20993687-T-G. GRCh37 (hg19) VCF-style: chr22-21347976-T-G.
Other names: short protein forms L429R.
Identifiers: ClinVar variation 5023771 (VCV005023771.1).